The following is an entry in ClinVar:

NM_012470.4(TNPO3):c.1750del (p.Leu584fs)

Gene: TNPO3 (transportin 3; minus strand). Cytogenetic location: 7q32.1.
Variant type: Deletion.
Coding change: c.1750del on transcript NM_012470.4 (MANE Select); coding-DNA position 1750, one base deleted (C; older notation c.1750delC).
Protein change: p.Leu584fs; shifts the reading frame from leucine 584.
Molecular consequence: frameshift variant. On other transcripts: non-coding transcript variant (18).
Genome position (GRCh38, 1-based): chr7:128,984,200, G deleted on the plus strand (C on the coding strand, the reverse complement: TNPO3 is on the minus strand). VCF-style (leftmost placement, unchanged base first): chr7-128984199-AG-A. GRCh37 (hg19) VCF-style: chr7-128624253-AG-A.
Other names: c.1558del, p.Leu520fs (NM_001191028.3, NM_001382223.1); c.1852del, p.Leu618fs (NM_001382216.1); c.1831del, p.Leu611fs (NM_001382217.1); c.1750del, p.Leu584fs (NM_001382218.1, NM_001382220.1); c.1642del, p.Leu548fs (NM_001382219.1); c.1606del, p.Leu536fs (NM_001382221.1); c.1603del, p.Leu535fs (NM_001382222.1); short protein forms L520fs, L535fs, L536fs, L548fs, L584fs, L611fs, L618fs.
Identifiers: ClinVar variation 3602963 (VCV003602963.1).

ClinVar aggregate classification (germline): Uncertain significance (1 of 4 stars; one submission).

Submission:

GeneDx
Classification: Uncertain significance. Last evaluated: 2024-08-08. Review status: criteria provided, single submitter. Criteria: GeneDx Variant Classification Process June 2021. Collection method: clinical testing. Allele origin: germline. Affected: yes.
Comment: Not observed at significant frequency in large population cohorts (gnomAD); Frameshift variant predicted to result in protein truncation or nonsense mediated decay in a gene for which loss-of-function is not a known mechanism of disease; Has not been previously published as pathogenic or benign to our knowledge